The following is an entry in ClinVar:

NM_001080517.3(SETD5):c.1245A>C (p.Lys415Asn)

Gene: SETD5 (SET domain containing 5; plus strand). Cytogenetic location: 3p25.3.
Variant type: single nucleotide variant.
Coding change: c.1245A>C on transcript NM_001080517.3 (MANE Select); coding-DNA position 1245, A replaced by C.
Protein change: p.Lys415Asn; replaces lysine 415 with asparagine.
Molecular consequence: missense variant.
Genome position (GRCh38, 1-based): chr3:9,445,105, A>C. VCF-style: chr3-9445105-A-C. GRCh37 (hg19) VCF-style: chr3-9486789-A-C.
Other names: c.951A>C, p.Lys317Asn (NM_001292043.2, NM_001349451.2); short protein forms K317N, K415N.
Identifiers: ClinVar variation 2574392 (VCV002574392.1), dbSNP rs1333174153, ClinGen allele CA351692153.

ClinVar aggregate classification (germline): Uncertain significance (1 of 4 stars; one submission).

Submission:

GeneDx
Classification: Uncertain significance. Last evaluated: 2023-01-25. Review status: criteria provided, single submitter. Criteria: GeneDx Variant Classification Process June 2021. Collection method: clinical testing. Allele origin: germline. Affected: yes.
Comment: Not observed at significant frequency in large population cohorts (gnomAD); Has not been previously published as pathogenic or benign to our knowledge; In silico analysis supports that this missense variant has a deleterious effect on protein structure/function; In silico analysis suggests this variant may impact gene splicing. In the absence of RNA/functional studies, the actual effect of this sequence change is unknown.